The following is an entry in ClinVar:

NM_004380.3(CREBBP):c.7266C>T (p.Ser2422=)

Gene: CREBBP (CREB binding lysine acetyltransferase; minus strand). Cytogenetic location: 16p13.3.
Variant type: single nucleotide variant.
Coding change: c.7266C>T on transcript NM_004380.3 (MANE Select); coding-DNA position 7266, C replaced by T.
Protein change: p.Ser2422=; no amino-acid change (serine 2422 retained).
Molecular consequence: synonymous variant.
Genome position (GRCh38, 1-based): chr16:3,727,781, G>A on the plus strand (C>T on the coding strand, the complement: CREBBP is on the minus strand). VCF-style: chr16-3727781-G-A. GRCh37 (hg19) VCF-style: chr16-3777782-G-A.
Other names: c.7152C>T, p.Ser2384= (NM_001079846.1).
Identifiers: ClinVar variation 3351953 (VCV003351953.3).

ClinVar aggregate classification (germline): Benign. Review status: criteria provided, single submitter (1 of 4 stars). 2 submissions from 2 submitters: Benign (1). 1 of the submissions does not count toward it. Last evaluated 2025-04-02.

Conditions:
Rubinstein-Taybi syndrome (RSTS). Identifiers: Orphanet 783, MedGen C0035934, MONDO:0019188.
CREBBP-related disorder. Also called: CREBBP-related condition; CREBBP-related disorders.

gnomAD v4.1: 14 of 1,614,040 alleles (0.00087%); highest among the groups gnomAD compares: Middle Eastern, 0.016%; no homozygotes.

Submissions (2):

Labcorp Genetics (formerly Invitae), Labcorp
Classification: Benign for Rubinstein-Taybi syndrome. Last evaluated: 2025-04-02. Review status: criteria provided, single submitter. Criteria: Invitae Variant Classification Sherloc (09022015). Collection method: clinical testing. Allele origin: germline.

PreventionGenetics, part of Exact Sciences
Classification: Likely benign for CREBBP-related condition. Last evaluated: 2023-08-23. Review status: no assertion criteria provided. Collection method: clinical testing. Allele origin: germline. Not counted in ClinVar's aggregate classification.
Comment: This variant is classified as likely benign based on ACMG/AMP sequence variant interpretation guidelines (Richards et al. 2015 PMID: 25741868, with internal and published modifications).